The following is an entry in ClinVar:

NM_006846.4(SPINK5):c.1302+4A>T

Gene: SPINK5 (serine peptidase inhibitor Kazal type 5; plus strand). Cytogenetic location: 5q32.
Variant type: single nucleotide variant.
Coding change: c.1302+4A>T on transcript NM_006846.4 (MANE Select); 4 bases into the intron after coding-DNA position 1302, A replaced by T.
Molecular consequence: intron variant.
Genome position (GRCh38, 1-based): chr5:148,101,440, A>T. VCF-style: chr5-148101440-A-T. GRCh37 (hg19) VCF-style: chr5-147481003-A-T.
Other names: c.1302+4A>T (NM_001127698.2, NM_001127699.2).
Identifiers: ClinVar variation 279898 (VCV000279898.53), dbSNP rs201269335, ClinGen allele CA3495537.

ClinVar aggregate classification (germline): Pathogenic. Review status: criteria provided, multiple submitters, no conflicts (2 of 4 stars). 5 submissions from 5 submitters: Pathogenic (5). Last evaluated 2025-09-21.

Conditions:
SPINK5-related disorder. Also called: SPINK5-related condition.
Ichthyosis linearis circumflexa. Identifiers: MedGen C0265962, MONDO:0043106, HP:0025810.
Netherton syndrome (NETH). Also called: ERYTHRODERMA, ICHTHYOSIFORM, WITH HYPOTRICHOSIS AND HYPER-IgE; COMEL-NETHERTON SYNDROME; NETHERTON DISEASE. Identifiers: Orphanet 634, MedGen C5574950, MONDO:0009735, OMIM 256500.

Allele frequency attached by ClinVar (database versions not stated): gnomAD 0.00001 and 0.00002; gnomAD exomes 0.00002 and 0.00003; TOPMed 0.00002; ExAC 0.00004.
gnomAD v4.1: 42 of 1,605,810 alleles (0.0026%); highest among the groups gnomAD compares: Non-Finnish European, 0.0032%; no homozygotes.

Submissions (5):

Labcorp Genetics (formerly Invitae), Labcorp
Classification: Pathogenic for Ichthyosis linearis circumflexa. Last evaluated: 2025-09-21. Review status: criteria provided, single submitter. Criteria: Invitae Variant Classification Sherloc (09022015). Collection method: clinical testing. Allele origin: germline.
Comment: This sequence change falls in intron 14 of the SPINK5 gene. It does not directly change the encoded amino acid sequence of the SPINK5 protein. It affects a nucleotide within the consensus splice site. This variant is present in population databases (rs201269335, gnomAD 0.006%). This variant has been observed in individual(s) with ichthyosis linearis circumflexa and Netherton syndrome (PMID: 16601670, 24015757, 25710899). In at least one individual the data is consistent with being in trans (on the opposite chromosome) from a pathogenic variant. It has also been observed to segregate with disease in related individuals. This variant is also known as IVS14+4A>T. ClinVar contains an entry for this variant (Variation ID: 279898). Variants that disrupt the consensus splice site are a relatively common cause of aberrant splicing (PMID: 17576681, 9536098). Studies have shown that this variant is associated with altered splicing resulting in some transcripts encoding premature termination (PMID: 25710899). For these reasons, this variant has been classified as Pathogenic.

Blueprint Genetics
Classification: Pathogenic for SPINK5-related disorders. Last evaluated: 2023-09-04. Review status: criteria provided, single submitter. Criteria: ACMG Guidelines, 2015. Collection method: clinical testing. Allele origin: germline. Affected: yes. Observed: 3 variant alleles.

GeneDx
Classification: Pathogenic. Last evaluated: 2022-07-25. Review status: criteria provided, single submitter. Criteria: GeneDx Variant Classification Process June 2021. Collection method: clinical testing. Allele origin: germline. Affected: yes.
Comment: Non-canonical splice site variant demonstrated to result in loss-of-function (Guerra et al., 2015); This variant is associated with the following publications: (PMID: 24015757, 25525159, 25710899, 16601670, 32459284, 31589614)

3billion
Classification: Pathogenic for Netherton syndrome. Last evaluated: 2022-05-22. Review status: criteria provided, single submitter. Criteria: ACMG Guidelines, 2015. Collection method: clinical testing. Allele origin: germline. Affected: yes. Observed: 1 heterozygote.
Comment: The variant is observed at an extremely low frequency in the gnomAD v2.1.1 dataset (total allele frequency: 0.002%). Functional studies provide supporting evidence of the variant having a damaging effect on the gene or gene product (PMID: 25710899). The variant has been reported to be in trans with a pathogenic variant as either compound heterozygous or homozygous in at least 2 similarly affected unrelated individuals (PMID: 16601670, 25710899) and to co-segregate with the disease in at least one similarly affected relative/individual in the same family or similarly affected unrelated family (PMID: 25710899). The variant has been reported at least twice as pathogenic with clinical assertions and evidence for the classification (ClinVar ID: VCV000279898). Therefore, this variant is classified as pathogenic according to the recommendation of ACMG/AMP guideline.

CeGaT Center for Human Genetics Tuebingen
Classification: Pathogenic. Last evaluated: 2019-04-01. Review status: criteria provided, single submitter. Criteria: CeGaT Center For Human Genetics Tuebingen Variant Classification Criteria Version 2. Collection method: clinical testing. Allele origin: germline. Affected: yes. Observed: 1 variant allele.

Literature cited by the submitters: PubMed 16601670 (cited by Labcorp Genetics (formerly Invitae), Labcorp and 3billion); PubMed 24015757 (cited by Labcorp Genetics (formerly Invitae), Labcorp); PubMed 25710899 (cited by Labcorp Genetics (formerly Invitae), Labcorp and 3billion); PubMed 17576681 (cited by Labcorp Genetics (formerly Invitae), Labcorp); PubMed 9536098 (cited by Labcorp Genetics (formerly Invitae), Labcorp).